The following is an entry in ClinVar:

ClinVar aggregate classification (germline): Uncertain significance (1 of 4 stars; one submission).

Allele frequency attached by ClinVar (database versions not stated): gnomAD exomes below 0.00001; gnomAD 0.00001.
gnomAD v4.1: 3 of 1,611,454 alleles (0.00019%); highest among the groups gnomAD compares: Admixed American, 0.005%; no homozygotes.

Submission:

Women's Health and Genetics/Laboratory Corporation of America, LabCorp
Classification: Uncertain significance. Last evaluated: 2024-04-23. Review status: criteria provided, single submitter. Criteria: LabCorp Variant Classification Summary - May 2015. Collection method: clinical testing. Allele origin: germline.
Comment: Variant summary: CILK1 c.1530C>T alters a non-conserved nucleotide resulting in a synonymous change. Computational tools predict a significant impact on normal splicing: Three predict the variant creates a cryptic 5' donor site. However, these predictions have yet to be confirmed by functional studies. The variant allele was found at a frequency of 4e-06 in 251394 control chromosomes (gnomAD). The available data on variant occurrences in the general population are insufficient to allow any conclusion about variant significance. To our knowledge, no occurrence of c.1530C>T in individuals affected with CILK1-Related Disorders and no experimental evidence demonstrating its impact on protein function have been reported. No submitters have cited clinical-significance assessments for this variant to ClinVar. Based on the evidence outlined above, the variant was classified as uncertain significance.

NM_014920.5(CILK1):c.1530C>T (p.Gly510=)

Gene: CILK1 (ciliogenesis associated kinase 1; minus strand). Cytogenetic location: 6p12.1.
Variant type: single nucleotide variant.
Coding change: c.1530C>T on transcript NM_014920.5 (MANE Select); coding-DNA position 1530, C replaced by T.
Protein change: p.Gly510=; no amino-acid change (glycine 510 retained).
Molecular consequence: synonymous variant. On other transcripts: non-coding transcript variant (1).
Genome position (GRCh38, 1-based): chr6:53,009,530, G>A on the plus strand (C>T on the coding strand, the complement: CILK1 is on the minus strand). VCF-style: chr6-53009530-G-A. GRCh37 (hg19) VCF-style: chr6-52874328-G-A.
Other names: c.1551C>T, p.Gly517= (NM_001375397.1); c.1530C>T, p.Gly510= (NM_001375398.1, NM_001375399.1, NM_001375400.1 and 3 more transcripts).
Identifiers: ClinVar variation 3251781 (VCV003251781.1), dbSNP rs1451965521.
Genomic context (GRCh38, chr6:53,009,530, plus strand): 5'-CCCTGAAGATTTTCCAGACAAGCCAGAACTAGACCATGGATTAGGTGGAATAAATTCCTT[G>A]CCTGGATTCGAGAGTATGCCATTTCTTATACTGATCCCTGATAGAGAAGAAATGATTTTA-3'
Protein context (NP_055735.1, residues 500-520): SIRNGILSNP[Gly510=]KEFIPPNPWS